The following is an entry in ClinVar:

NM_004369.4(COL6A3):c.985G>C (p.Val329Leu)

Gene: COL6A3 (collagen type VI alpha 3 chain; minus strand). Cytogenetic location: 2q37.3.
Variant type: single nucleotide variant.
Coding change: c.985G>C on transcript NM_004369.4 (MANE Select); coding-DNA position 985, G replaced by C.
Protein change: p.Val329Leu; replaces valine 329 with leucine.
Molecular consequence: missense variant. On other transcripts: intron variant (2).
Genome position (GRCh38, 1-based): chr2:237,387,909, C>G on the plus strand (G>C on the coding strand, the complement: COL6A3 is on the minus strand). VCF-style: chr2-237387909-C-G. GRCh37 (hg19) VCF-style: chr2-238296552-C-G.
Other names: c.367G>C, p.Val123Leu (NM_057165.5, NM_057167.4); c.92-6410G>C (NM_057166.5, NM_057164.5); short protein forms V123L, V329L.
Identifiers: ClinVar variation 2975285 (VCV002975285.3), dbSNP rs542283928, ClinGen allele CA351222621.

ClinVar aggregate classification (germline): Uncertain significance (1 of 4 stars; one submission).

Conditions:
Bethlem myopathy 1A. Also called: MYOPATHY, BENIGN CONGENITAL, WITH CONTRACTURES; Bethlem myopathy 1; Bethlem Muscular Dystrophy. Identifiers: Orphanet 610, MedGen CN029274, MONDO:0024530, OMIM 158810.

Submission:

Labcorp Genetics (formerly Invitae), Labcorp
Classification: Uncertain significance for Bethlem myopathy 1A. Last evaluated: 2023-10-09. Review status: criteria provided, single submitter. Criteria: Invitae Variant Classification Sherloc (09022015). Collection method: clinical testing. Allele origin: germline.
Comment: This sequence change replaces valine, which is neutral and non-polar, with leucine, which is neutral and non-polar, at codon 329 of the COL6A3 protein (p.Val329Leu). This variant is not present in population databases (gnomAD no frequency). This variant has not been reported in the literature in individuals affected with COL6A3-related conditions. Advanced modeling of protein sequence and biophysical properties (such as structural, functional, and spatial information, amino acid conservation, physicochemical variation, residue mobility, and thermodynamic stability) performed at Invitae indicates that this missense variant is not expected to disrupt COL6A3 protein function. In summary, the available evidence is currently insufficient to determine the role of this variant in disease. Therefore, it has been classified as a Variant of Uncertain Significance.